The following is an entry in ClinVar:

NM_000218.3(KCNQ1):c.474G>C (p.Trp158Cys)

Gene: KCNQ1 (potassium voltage-gated channel subfamily Q member 1; plus strand). Cytogenetic location: 11p15.5.
Variant type: single nucleotide variant.
Coding change: c.474G>C on transcript NM_000218.3 (MANE Select); coding-DNA position 474, G replaced by C.
Protein change: p.Trp158Cys; replaces tryptophan 158 with cysteine.
Molecular consequence: missense variant.
Genome position (GRCh38, 1-based): chr11:2,528,015, G>C. VCF-style: chr11-2528015-G-C. GRCh37 (hg19) VCF-style: chr11-2549245-G-C.
Other names: c.474G>C, p.Trp158Cys (NM_001406836.1, NM_001406838.1); c.204G>C, p.Trp68Cys (NM_001406837.1); c.93G>C, p.Trp31Cys (NM_181798.2); short protein forms W31C, W158C, W68C.
Identifiers: ClinVar variation 2916870 (VCV002916870.4), dbSNP rs2493591804, ClinGen allele CA379122213.

ClinVar aggregate classification (germline): Uncertain significance. Review status: criteria provided, multiple submitters, no conflicts (2 of 4 stars). 2 submissions from 2 submitters: Uncertain significance (2). Last evaluated 2024-09-26.

Conditions:
Long QT syndrome (LQTS). Identifiers: MedGen C0023976, MeSH D008133, MONDO:0002442. Disease mechanism: loss of function. Inheritance: Various modes of inheritance.

Allele frequency attached by ClinVar (database versions not stated): gnomAD exomes below 0.00001.
gnomAD v4.1: 1 of 1,612,136 alleles (0.000062%); highest among the groups gnomAD compares: African/African-American, 0.0013%; no homozygotes.

Submissions (2):

GeneDx
Classification: Uncertain significance. Last evaluated: 2024-09-26. Review status: criteria provided, single submitter. Criteria: GeneDx Variant Classification Process June 2021. Collection method: clinical testing. Allele origin: germline. Affected: yes.
Comment: Not observed at significant frequency in large population cohorts (gnomAD); In silico analysis supports that this missense variant has a deleterious effect on protein structure/function; Has not been previously published as pathogenic or benign to our knowledge

Labcorp Genetics (formerly Invitae), Labcorp
Classification: Uncertain significance for Long QT syndrome. Last evaluated: 2023-01-24. Review status: criteria provided, single submitter. Criteria: Invitae Variant Classification Sherloc (09022015). Collection method: clinical testing. Allele origin: germline.
Comment: This sequence change replaces tryptophan, which is neutral and slightly polar, with cysteine, which is neutral and slightly polar, at codon 158 of the KCNQ1 protein (p.Trp158Cys). This variant is not present in population databases (gnomAD no frequency). This variant has not been reported in the literature in individuals affected with KCNQ1-related conditions. Advanced modeling of protein sequence and biophysical properties (such as structural, functional, and spatial information, amino acid conservation, physicochemical variation, residue mobility, and thermodynamic stability) performed at Invitae indicates that this missense variant is expected to disrupt KCNQ1 protein function. In summary, the available evidence is currently insufficient to determine the role of this variant in disease. Therefore, it has been classified as a Variant of Uncertain Significance.